The following is an entry in ClinVar:

NM_052859.4(RFT1):c.904A>G (p.Ile302Val)

Gene: RFT1 (RFT1 glycolipid translocator homolog; minus strand). Cytogenetic location: 3p21.1.
Variant type: single nucleotide variant.
Coding change: c.904A>G on transcript NM_052859.4 (MANE Select); coding-DNA position 904, A replaced by G.
Protein change: p.Ile302Val; replaces isoleucine 302 with valine.
Molecular consequence: missense variant.
Genome position (GRCh38, 1-based): chr3:53,105,726, T>C on the plus strand (A>G on the coding strand, the complement: RFT1 is on the minus strand). VCF-style: chr3-53105726-T-C. GRCh37 (hg19) VCF-style: chr3-53139742-T-C.
Other names: c.904A>G (NM_052859.3); short protein forms I302V.
Identifiers: ClinVar variation 2144270 (VCV002144270.2), dbSNP rs748068081, ClinGen allele CA2451292.

ClinVar aggregate classification (germline): Uncertain significance. Review status: criteria provided, multiple submitters, no conflicts (2 of 4 stars). 2 submissions from 2 submitters: Uncertain significance (2). Last evaluated 2025-08-01.

Conditions:
Inborn genetic diseases. Identifiers: MedGen C0950123, MeSH D030342.
RFT1-congenital disorder of glycosylation (CDG1N). Also called: Congenital disorder of glycosylation type In; CDG In; RFT1-CDG. Identifiers: Orphanet 244310, MedGen C2677590, MONDO:0012783, OMIM 612015.

Allele frequency attached by ClinVar (database versions not stated): ExAC 0.00002.
gnomAD v4.1: 34 of 1,613,860 alleles (0.0021%); highest among the groups gnomAD compares: Non-Finnish European, 0.0028%; no homozygotes.

Submissions (2):

Ambry Genetics
Classification: Uncertain significance for Inborn genetic diseases. Last evaluated: 2025-08-01. Review status: criteria provided, single submitter. Criteria: Ambry Variant Classification Scheme 2023. Collection method: clinical testing. Allele origin: germline.

Labcorp Genetics (formerly Invitae), Labcorp
Classification: Uncertain significance for RFT1-congenital disorder of glycosylation. Last evaluated: 2022-08-06. Review status: criteria provided, single submitter. Criteria: Invitae Variant Classification Sherloc (09022015). Collection method: clinical testing. Allele origin: germline.
Comment: This sequence change replaces isoleucine, which is neutral and non-polar, with valine, which is neutral and non-polar, at codon 302 of the RFT1 protein (p.Ile302Val). This variant is present in population databases (rs748068081, gnomAD 0.003%). This variant has not been reported in the literature in individuals affected with RFT1-related conditions. Algorithms developed to predict the effect of missense changes on protein structure and function output the following: SIFT: "Tolerated"; PolyPhen-2: "Benign"; Align-GVGD: "Class C0". The valine amino acid residue is found in multiple mammalian species, which suggests that this missense change does not adversely affect protein function. In summary, the available evidence is currently insufficient to determine the role of this variant in disease. Therefore, it has been classified as a Variant of Uncertain Significance.